The following is an entry in ClinVar:

ClinVar aggregate classification (germline): Likely benign (0 of 4 stars; one submission).

Conditions:
ITK-related disorder. Also called: ITK-related condition.

Submissions (3):

PreventionGenetics, part of Exact Sciences
Classification: Likely benign for ITK-related condition. Last evaluated: 2022-05-17. Review status: no assertion criteria provided. Collection method: clinical testing. Allele origin: germline.
Comment: This variant is classified as likely benign based on ACMG/AMP sequence variant interpretation guidelines (Richards et al. 2015 PMID: 25741868, with internal and published modifications).

Dr. Peter K. Rogan Lab, Western University
No classification provided (evidence only). Condition: Familial cancer of breast. Review status: no classification provided. Collection method: in vitro. Allele origin: not applicable. Functional consequence: retained intron. Not counted in ClinVar's aggregate classification.

Dr. Peter K. Rogan Lab, Western University
No classification provided (evidence only). Condition: Familial prostate cancer. Review status: no classification provided. Collection method: in vitro. Allele origin: not applicable. Functional consequence: retained intron. Not counted in ClinVar's aggregate classification.

NM_005546.4(ITK):c.1061-19CT[6]

Gene: ITK (IL2 inducible T cell kinase; plus strand). Cytogenetic location: 5q33.3.
Variant type: Microsatellite.
Coding change: c.1061-19CT[6] on transcript NM_005546.4 (MANE Select); six copies in a row of the 2-base unit CT starting at c.1061-19; the reference has seven copies in a row; one copy, 2 bases deleted.
Molecular consequence: intron variant.
Genome position (GRCh38, 1-based): chr5:157,243,616-157,243,617, CT deleted; deleting any 2 consecutive bases within chr5:157,243,604-157,243,617 gives the same sequence; the position shown is the placement nearest the transcript's 3' end. VCF-style (leftmost placement, unchanged base first): chr5-157243603-ACT-A. GRCh37 (hg19) VCF-style: chr5-156670613-ACT-A.
Other names: NC_000005.9:g.156670626_156670627del; c.1061-7_1061-6del (NM_005546.4).
Identifiers: ClinVar variation 3039689 (VCV003039689.3), dbSNP rs767819758, ClinGen allele CA3532996.